The following is an entry in ClinVar:

NM_031935.3(HMCN1):c.7511C>A (p.Thr2504Lys)

Gene: HMCN1 (hemicentin 1; plus strand). Cytogenetic location: 1q31.1.
Variant type: single nucleotide variant.
Coding change: c.7511C>A on transcript NM_031935.3 (MANE Select); coding-DNA position 7511, C replaced by A.
Protein change: p.Thr2504Lys; replaces threonine 2504 with lysine.
Molecular consequence: missense variant.
Genome position (GRCh38, 1-based): chr1:186,062,598, C>A. VCF-style: chr1-186062598-C-A. GRCh37 (hg19) VCF-style: chr1-186031730-C-A.
Other names: short protein forms T2504K.
Identifiers: ClinVar variation 767735 (VCV000767735.15), dbSNP rs76748242, ClinGen allele CA1292858.

ClinVar aggregate classification (germline): Benign. Review status: criteria provided, multiple submitters, no conflicts (2 of 4 stars). 4 submissions from 4 submitters: Benign (4). Last evaluated 2026-02-03.

Conditions:
Age related macular degeneration 1 (ARMD1). Also called: MACULOPATHY, AGE-RELATED, 1. Identifiers: MedGen C1864205, MONDO:0011285, OMIM 603075.

Allele frequency attached by ClinVar (database versions not stated): 1000 Genomes Project 0.00919; 1000 Genomes Project 30x 0.00984; ExAC 0.00294; gnomAD 0.00946 and 0.01024; TOPMed 0.01091; ESP Exome Variant Server 0.01092.
gnomAD v4.1: 2,660 of 1,602,626 alleles (0.17%); highest among the groups gnomAD compares: African/African-American, 3.2%; 45 homozygotes.

Submissions (4):

Labcorp Genetics (formerly Invitae), Labcorp
Classification: Benign. Last evaluated: 2026-02-03. Review status: criteria provided, single submitter. Criteria: Invitae Variant Classification Sherloc (09022015). Collection method: clinical testing. Allele origin: germline.

Genome-Nilou Lab
Classification: Benign for Age related macular degeneration 1. Last evaluated: 2023-04-11. Review status: criteria provided, single submitter. Criteria: ACMG Guidelines, 2015. Collection method: clinical testing. Allele origin: germline. Affected: no.

Illumina Laboratory Services, Illumina
Classification: Benign for Age related macular degeneration 1. Last evaluated: 2018-01-12. Review status: criteria provided, single submitter. Criteria: ICSL Variant Classification Criteria 13 December 2019. Collection method: clinical testing. Allele origin: germline.
Comment: This variant was observed in the ICSL laboratory as part of a predisposition screen in an ostensibly healthy population. It had not been previously curated by ICSL or reported in the Human Gene Mutation Database (HGMD: prior to June 1st, 2018), and was therefore a candidate for classification through an automated scoring system. Utilizing variant allele frequency, disease prevalence and penetrance estimates, and inheritance mode, an automated score was calculated to assess if this variant is too frequent to cause the disease. Based on the score and internal cut-off values, a variant classified as benign is not then subjected to further curation. The score for this variant resulted in a classification of benign for this disease.

Breakthrough Genomics
Classification: Benign. Review status: criteria provided, single submitter. Criteria: ACMG Guidelines, 2015. Collection method: not provided. Allele origin: germline. Inheritance: Autosomal dominant inheritance. Affected: yes.